The following is an entry in ClinVar:

ClinVar aggregate classification (germline): Conflicting classifications of pathogenicity. Review status: criteria provided, conflicting classifications (1 of 4 stars). 2 submissions from 2 submitters: Uncertain significance (1); Likely benign (1). Last evaluated 2022-04-11.

Conditions:
Inborn genetic diseases. Identifiers: MedGen C0950123, MeSH D030342.
Neuronal ceroid lipofuscinosis 7 (CLN7). Also called: MFSD8-Related Neuronal Ceroid-Lipofuscinosis. Identifiers: Orphanet 168491, Orphanet 228366, MedGen C1838571, MONDO:0012588, OMIM 610951.

Allele frequency attached by ClinVar (database versions not stated): gnomAD 0.00001; TOPMed 0.00001; 1000 Genomes Project 30x 0.00016; 1000 Genomes Project 0.01478.

Submissions (2):

Labcorp Genetics (formerly Invitae), Labcorp
Classification: Uncertain significance for Neuronal ceroid lipofuscinosis 7. Last evaluated: 2022-04-11. Review status: criteria provided, single submitter. Criteria: Invitae Variant Classification Sherloc (09022015). Collection method: clinical testing. Allele origin: germline.
Comment: This sequence change replaces glutamine, which is neutral and polar, with arginine, which is basic and polar, at codon 10 of the MFSD8 protein (p.Gln10Arg). The frequency data for this variant in the population databases is considered unreliable, as metrics indicate poor data quality at this position in the gnomAD database. This variant has not been reported in the literature in individuals affected with MFSD8-related conditions. Algorithms developed to predict the effect of missense changes on protein structure and function output the following: SIFT: "Tolerated"; PolyPhen-2: "Benign"; Align-GVGD: "Class C0". The arginine amino acid residue is found in multiple mammalian species, which suggests that this missense change does not adversely affect protein function. In summary, the available evidence is currently insufficient to determine the role of this variant in disease. Therefore, it has been classified as a Variant of Uncertain Significance.

Ambry Genetics
Classification: Likely benign for Inborn genetic diseases. Last evaluated: 2019-09-04. Review status: criteria provided, single submitter. Criteria: Ambry Variant Classification Scheme 2023. Collection method: clinical testing. Allele origin: germline.

NM_001371596.2(MFSD8):c.29A>G (p.Gln10Arg)

Gene: MFSD8 (major facilitator superfamily domain containing 8; minus strand). Cytogenetic location: 4q28.2.
Variant type: single nucleotide variant.
Coding change: c.29A>G on transcript NM_001371596.2 (MANE Select); coding-DNA position 29, A replaced by G.
Protein change: p.Gln10Arg; replaces glutamine 10 with arginine.
Molecular consequence: missense variant. On other transcripts: 5 prime UTR variant (1), intron variant (2).
Genome position (GRCh38, 1-based): chr4:127,965,105, T>C on the plus strand (A>G on the coding strand, the complement: MFSD8 is on the minus strand). VCF-style: chr4-127965105-T-C. GRCh37 (hg19) VCF-style: chr4-128886260-T-C.
Other names: c.29A>G, p.Gln10Arg (NM_001363520.3, NM_001363521.3, NM_001371591.2 and 5 more transcripts); c.-105A>G (NM_001371595.1); c.-74+792A>G (NM_001410765.1, NM_001371590.2); short protein forms Q10R.
Identifiers: ClinVar variation 1798630 (VCV001798630.4), dbSNP rs532843679, ClinGen allele CA3077611.